The following is an entry in ClinVar:

NM_182914.3(SYNE2):c.3950_3961del (p.Arg1317_Asp1320del)

Gene: SYNE2 (spectrin repeat containing nuclear envelope protein 2; plus strand). Cytogenetic location: 14q23.2.
Variant type: Deletion.
Coding change: c.3950_3961del on transcript NM_182914.3 (MANE Select); coding-DNA positions 3950 to 3961, 12 bases deleted (GGAGTGAAGATA).
Protein change: p.Arg1317_Asp1320del.
Molecular consequence: inframe deletion.
Genome position (GRCh38, 1-based): chr14:64,002,883-64,002,894, GGAGTGAAGATA deleted; deleting any 12 consecutive bases within chr14:64,002,882-64,002,894 gives the same sequence; the c. name uses the placement nearest the transcript's 3' end. VCF-style (leftmost placement, unchanged base first): chr14-64002881-GAGGAGTGAAGAT-G. GRCh37 (hg19) VCF-style: chr14-64469599-GAGGAGTGAAGAT-G.
Other names: c.3950_3961del, p.Arg1317_Asp1320del (NM_015180.6).
Identifiers: ClinVar variation 2810049 (VCV002810049.3), dbSNP rs2551002029, ClinGen allele CA2739279046.

ClinVar aggregate classification (germline): Uncertain significance (1 of 4 stars; one submission).

Conditions:
Emery-Dreifuss muscular dystrophy 5, autosomal dominant (EDMD5). Also called: EMERY-DREIFUSS MUSCULAR DYSTROPHY 5. Identifiers: Orphanet 261, MedGen C2751805, MONDO:0013072, OMIM 612999.

Submission:

Labcorp Genetics (formerly Invitae), Labcorp
Classification: Uncertain significance for Emery-Dreifuss muscular dystrophy 5, autosomal dominant. Last evaluated: 2022-10-27. Review status: criteria provided, single submitter. Criteria: Invitae Variant Classification Sherloc (09022015). Collection method: clinical testing. Allele origin: germline.
Comment: In summary, the available evidence is currently insufficient to determine the role of this variant in disease. Therefore, it has been classified as a Variant of Uncertain Significance. Experimental studies and prediction algorithms are not available or were not evaluated, and the functional significance of this variant is currently unknown. This variant has not been reported in the literature in individuals affected with SYNE2-related conditions. This variant is not present in population databases (gnomAD no frequency). This variant, c.3950_3961del, results in the deletion of 4 amino acid(s) of the SYNE2 protein (p.Arg1317_Asp1320del), but otherwise preserves the integrity of the reading frame.